The following is an entry in ClinVar:

NM_006231.4(POLE):c.6414C>G (p.Phe2138Leu)

Gene: POLE (DNA polymerase epsilon, catalytic subunit; minus strand). Cytogenetic location: 12q24.33.
Variant type: single nucleotide variant.
Coding change: c.6414C>G on transcript NM_006231.4 (MANE Select); coding-DNA position 6414, C replaced by G.
Protein change: p.Phe2138Leu; replaces phenylalanine 2138 with leucine.
Molecular consequence: missense variant.
Genome position (GRCh38, 1-based): chr12:132,626,234, G>C on the plus strand (C>G on the coding strand, the complement: POLE is on the minus strand). VCF-style: chr12-132626234-G-C. GRCh37 (hg19) VCF-style: chr12-133202820-G-C.
Other names: c.6414C>G (NM_006231.2); short protein forms F2138L.
Identifiers: ClinVar variation 405658 (VCV000405658.10), dbSNP rs969557653, ClinGen allele CA16613572.

ClinVar aggregate classification (germline): Uncertain significance. Review status: criteria provided, multiple submitters, no conflicts (2 of 4 stars). 2 submissions from 2 submitters: Uncertain significance (2). Last evaluated 2026-01-17.

Conditions:
Hereditary cancer-predisposing syndrome. Also called: Hereditary Cancer Syndrome; Hereditary neoplastic syndrome; Neoplastic Syndromes, Hereditary; Tumor predisposition. Identifiers: Orphanet 140162, MedGen C0027672, MeSH D009386, MONDO:0015356.

Allele frequency attached by ClinVar (database versions not stated): gnomAD exomes below 0.00001; TOPMed below 0.00001.

Submissions (2):

Labcorp Genetics (formerly Invitae), Labcorp
Classification: Uncertain significance. Last evaluated: 2026-01-17. Review status: criteria provided, single submitter. Criteria: Invitae Variant Classification Sherloc (09022015). Collection method: clinical testing. Allele origin: germline.
Comment: This sequence change replaces phenylalanine, which is neutral and non-polar, with leucine, which is neutral and non-polar, at codon 2138 of the POLE protein (p.Phe2138Leu). This variant is not present in population databases (gnomAD no frequency). This variant has not been reported in the literature in individuals affected with POLE-related conditions. ClinVar contains an entry for this variant (Variation ID: 405658). Invitae Evidence Modeling of protein sequence and biophysical properties (such as structural, functional, and spatial information, amino acid conservation, physicochemical variation, residue mobility, and thermodynamic stability) indicates that this missense variant is expected to disrupt POLE protein function with a positive predictive value of 80%. In summary, the available evidence is currently insufficient to determine the role of this variant in disease. Therefore, it has been classified as a Variant of Uncertain Significance.

Ambry Genetics
Classification: Uncertain significance for Hereditary cancer-predisposing syndrome. Last evaluated: 2025-10-24. Review status: criteria provided, single submitter. Criteria: Ambry Variant Classification Scheme 2023. Collection method: clinical testing. Allele origin: germline.
Comment: The p.F2138L variant (also known as c.6414C>G), located in coding exon 46 of the POLE gene, results from a C to G substitution at nucleotide position 6414. The phenylalanine at codon 2138 is replaced by leucine, an amino acid with highly similar properties. This amino acid position is highly conserved in available vertebrate species. In addition, this alteration is predicted to be tolerated by in silico analysis. Based on the available evidence, the clinical significance of this variant remains unclear.